The following is an entry in ClinVar:

ClinVar aggregate classification (germline): Likely benign. Review status: criteria provided, multiple submitters, no conflicts (2 of 4 stars). 2 submissions from 2 submitters: Likely benign (2). Last evaluated 2026-07-26.

Conditions:
PEX13-related disorder. Also called: PEX13-related disorders; PEX13-related condition.
Peroxisome biogenesis disorder 11A (Zellweger). Also called: Peroxisome biogenesis disorder 11A. Identifiers: Orphanet 912, MedGen C3554000, MONDO:0013949, OMIM 614883.

Allele frequency attached by ClinVar (database versions not stated): gnomAD exomes below 0.00001.

Submissions (2):

PreventionGenetics, part of Exact Sciences
Classification: Likely benign for PEX13-related condition. Last evaluated: 2026-07-26. Review status: criteria provided, single submitter. Criteria: ACMG Guidelines, 2015. Collection method: clinical testing. Allele origin: germline.
Comment: This variant is classified as likely benign based on ACMG/AMP sequence variant interpretation guidelines (Richards et al. 2015 PMID: 25741868, with internal and published modifications).

Labcorp Genetics (formerly Invitae), Labcorp
Classification: Likely benign for Peroxisome biogenesis disorder 11A (Zellweger). Last evaluated: 2024-02-16. Review status: criteria provided, single submitter. Criteria: Invitae Variant Classification Sherloc (09022015). Collection method: clinical testing. Allele origin: germline.

NM_002618.4(PEX13):c.1140T>G (p.Val380=)

Gene: PEX13 (peroxisomal biogenesis factor 13; plus strand). Cytogenetic location: 2p15.
Variant type: single nucleotide variant.
Coding change: c.1140T>G on transcript NM_002618.4 (MANE Select); coding-DNA position 1140, T replaced by G.
Protein change: p.Val380=; no amino-acid change (valine 380 retained).
Molecular consequence: synonymous variant.
Genome position (GRCh38, 1-based): chr2:61,048,698, T>G. VCF-style: chr2-61048698-T-G. GRCh37 (hg19) VCF-style: chr2-61275833-T-G.
Other names: c.1140T>G (NM_002618.3).
Identifiers: ClinVar variation 2711224 (VCV002711224.4), dbSNP rs1299091461, ClinGen allele CA426412159.